The following is an entry in ClinVar:

NM_001184900.3(CARD8):c.1245A>C (p.Gln415His)

Gene: CARD8 (caspase recruitment domain family member 8; minus strand). Cytogenetic location: 19q13.33.
Variant type: single nucleotide variant.
Coding change: c.1245A>C on transcript NM_001184900.3 (MANE Select); coding-DNA position 1245, A replaced by C.
Protein change: p.Gln415His; replaces glutamine 415 with histidine.
Molecular consequence: missense variant. On other transcripts: non-coding transcript variant (2), intron variant (7).
Genome position (GRCh38, 1-based): chr19:48,218,929, T>G on the plus strand (A>C on the coding strand, the complement: CARD8 is on the minus strand). VCF-style: chr19-48218929-T-G. GRCh37 (hg19) VCF-style: chr19-48722186-T-G.
Other names: c.1095A>C, p.Gln365His (NM_001184901.1, NM_001351783.2, NM_014959.5); c.1245A>C, p.Gln415His (NM_001351782.2); c.930A>C, p.Gln310His (NM_001351784.2, NM_001351787.2); c.909A>C, p.Gln303His (NM_001351786.2); c.927A>C, p.Gln309His (NM_001365950.1); c.420A>C, p.Gln140His (NM_001426741.1); c.846+2801A>C (NM_001351791.2, NM_001351792.2); c.1011+2801A>C (NM_001351788.2, NM_001351789.2); and 2 more; short protein forms Q309H, Q365H, Q140H, Q310H, Q415H, Q303H.
Identifiers: ClinVar variation 2829221 (VCV002829221.3), dbSNP rs1568678740, ClinGen allele CA406664714.

ClinVar aggregate classification (germline): Uncertain significance (1 of 4 stars; one submission).

gnomAD v4.1: 1 of 1,613,996 alleles (0.000062%); no homozygotes.

Submission:

Labcorp Genetics (formerly Invitae), Labcorp
Classification: Uncertain significance. Last evaluated: 2023-01-16. Review status: criteria provided, single submitter. Criteria: Invitae Variant Classification Sherloc (09022015). Collection method: clinical testing. Allele origin: germline.
Comment: This variant has not been reported in the literature in individuals affected with CARD8-related conditions. This variant is not present in population databases (gnomAD no frequency). This sequence change replaces glutamine, which is neutral and polar, with histidine, which is basic and polar, at codon 365 of the CARD8 protein (p.Gln365His). Algorithms developed to predict the effect of missense changes on protein structure and function are either unavailable or do not agree on the potential impact of this missense change (SIFT: "Tolerated"; PolyPhen-2: "Possibly Damaging"; Align-GVGD: "Class C0"). In summary, the available evidence is currently insufficient to determine the role of this variant in disease. Therefore, it has been classified as a Variant of Uncertain Significance.